The following is an entry in ClinVar:

NM_004006.3(DMD):c.7816T>G (p.Trp2606Gly)

Gene: DMD (dystrophin; minus strand). Cytogenetic location: Xp21.1.
Variant type: single nucleotide variant.
Coding change: c.7816T>G on transcript NM_004006.3 (MANE Select); coding-DNA position 7816, T replaced by G.
Protein change: p.Trp2606Gly; replaces tryptophan 2606 with glycine.
Molecular consequence: missense variant.
Genome position (GRCh38, 1-based): chrX:31,679,431, A>C on the plus strand (T>G on the coding strand, the complement: DMD is on the minus strand). VCF-style: chrX-31679431-A-C. GRCh37 (hg19) VCF-style: chrX-31697548-A-C.
Other names: c.7792T>G, p.Trp2598Gly (NM_000109.4); c.7804T>G, p.Trp2602Gly (NM_004009.3); c.7447T>G, p.Trp2483Gly (NM_004010.3); c.3793T>G, p.Trp1265Gly (NM_004011.4); c.3784T>G, p.Trp1262Gly (NM_004012.4); c.436T>G, p.Trp146Gly (NM_004013.3, NM_004020.4, NM_004021.3 and 2 more transcripts); short protein forms W1262G, W146G, W2598G, W1265G, W2483G, W2606G, W2602G.
Identifiers: ClinVar variation 1760750 (VCV001760750.2), dbSNP rs2082255543, ClinGen allele CA412656671.
Genomic context (GRCh38, chrX:31,679,431, plus strand): 5'-TAACCTTGGTTTCTGTGATTTTCTTTTGGATTGCATCTACTGTATAGGGACCCTCCTTCC[A>C]TGACTCAAGCTTGGCTCTGGCCTGTCCTAAGACCTGCTCAGCTTCTTCCTTAGCTTCCAG-3'
Protein context (NP_003997.2, residues 2596-2616): LGQARAKLES[Trp2606Gly]KEGPYTVDAI

ClinVar aggregate classification (germline): Uncertain significance (1 of 4 stars; one submission).

Conditions:
Cardiovascular phenotype. Identifiers: MedGen CN230736.

Allele frequency attached by ClinVar (database versions not stated): TOPMed below 0.00001.

Submission:

Ambry Genetics
Classification: Uncertain significance for Cardiovascular phenotype. Last evaluated: 2020-09-08. Review status: criteria provided, single submitter. Criteria: Ambry Variant Classification Scheme 2023. Collection method: clinical testing. Allele origin: germline.
Comment: The p.W2606G variant (also known as c.7816T>G), located in coding exon 53 of the DMD gene, results from a T to G substitution at nucleotide position 7816. The tryptophan at codon 2606 is replaced by glycine, an amino acid with highly dissimilar properties. This amino acid position is highly conserved in available vertebrate species. In addition, this alteration is predicted to be tolerated by in silico analysis. Since supporting evidence is limited at this time, the clinical significance of this alteration remains unclear.